The following is an entry in ClinVar:

NM_021942.6(TRAPPC11):c.2573C>T (p.Ser858Phe)

Gene: TRAPPC11 (trafficking protein particle complex subunit 11; plus strand). Cytogenetic location: 4q35.1.
Variant type: single nucleotide variant.
Coding change: c.2573C>T on transcript NM_021942.6 (MANE Select); coding-DNA position 2573, C replaced by T.
Protein change: p.Ser858Phe; replaces serine 858 with phenylalanine.
Molecular consequence: missense variant.
Genome position (GRCh38, 1-based): chr4:183,694,668, C>T. VCF-style: chr4-183694668-C-T. GRCh37 (hg19) VCF-style: chr4-184615821-C-T.
Other names: c.2573C>T, p.Ser858Phe (NM_199053.3); short protein forms S858F.
Identifiers: ClinVar variation 1382031 (VCV001382031.6), dbSNP rs2111070444, ClinGen allele CA358872301.
Genomic context (GRCh38, chr4:183,694,668, plus strand): 5'-AAAAAATGTTGTATGTTCGCTGTGGAACAGTGGGTTCCAGAATGTTTCTTGTATATGTTT[C>T]TTACCTGATAAATACAACCGTTGAAGAAAAAGAAATTGTTTGCAAGTGTCACAAGGTATT-3'
Protein context (NP_068761.4, residues 848-868): VGSRMFLVYV[Ser858Phe]YLINTTVEEK

ClinVar aggregate classification (germline): Uncertain significance (1 of 4 stars; one submission).

Conditions:
Autosomal recessive limb-girdle muscular dystrophy type R18 (LGMDR18). Also called: Limb-girdle muscular dystrophy, type 2S; MUSCULAR DYSTROPHY, LIMB-GIRDLE, AUTOSOMAL RECESSIVE 18; Autosomal recessive limb-girdle muscular dystrophy type 2S. Identifiers: Orphanet 369840, MedGen C4517996, MONDO:0014144, OMIM 615356.

Submission:

Labcorp Genetics (formerly Invitae), Labcorp
Classification: Uncertain significance for Autosomal recessive limb-girdle muscular dystrophy type R18. Last evaluated: 2021-09-18. Review status: criteria provided, single submitter. Criteria: Invitae Variant Classification Sherloc (09022015). Collection method: clinical testing. Allele origin: germline.
Comment: This sequence change replaces serine with phenylalanine at codon 858 of the TRAPPC11 protein (p.Ser858Phe). The serine residue is highly conserved and there is a large physicochemical difference between serine and phenylalanine. This variant is not present in population databases (ExAC no frequency). This variant has not been reported in the literature in individuals affected with TRAPPC11-related conditions. Algorithms developed to predict the effect of missense changes on protein structure and function are either unavailable or do not agree on the potential impact of this missense change (SIFT: "Deleterious"; PolyPhen-2: "Probably Damaging"; Align-GVGD: "Class C15"). In summary, the available evidence is currently insufficient to determine the role of this variant in disease. Therefore, it has been classified as a Variant of Uncertain Significance.